The following is an entry in ClinVar:

ClinVar aggregate classification (germline): Uncertain significance. Review status: criteria provided, multiple submitters, no conflicts (2 of 4 stars). 3 submissions from 3 submitters: Uncertain significance (3). Last evaluated 2025-05-20.

Conditions:
MOGS-congenital disorder of glycosylation. Also called: CDG IIb; GLUCOSIDASE I DEFICIENCY; MOGS-CDG; CDG 2B. Identifiers: Orphanet 79330, MedGen C1853736, MONDO:0011629, OMIM 606056.

Allele frequency attached by ClinVar (database versions not stated): ExAC below 0.00001; gnomAD exomes 0.00001 and 0.00002; gnomAD 0.00003; TOPMed 0.00003.

Submissions (3):

Women's Health and Genetics/Laboratory Corporation of America, LabCorp
Classification: Uncertain significance. Last evaluated: 2025-05-20. Review status: criteria provided, single submitter. Criteria: LabCorp Variant Classification Summary - May 2015. Collection method: clinical testing. Allele origin: germline.
Comment: Variant summary: MOGS c.65C>A (p.Ala22Glu) results in a non-conservative amino acid change in the encoded protein sequence. Algorithms developed to predict the effect of missense changes on protein structure and function are either unavailable or do not agree on the potential impact of this missense change. Consensus agreement among computation tools predict no significant impact on normal splicing. Although a study reported the variant reduces the efficiency of the canonical splice site, producing an early nonsense variant, details of such results were not provided (Sadat_2014). The variant allele was found at a frequency of 1.5e-05 in 130206 control chromosomes. The available data on variant occurrences in the general population are insufficient to allow any conclusion about variant significance. c.65C>A has been observed in two siblings affected with MOGS-Congenital Disorder Of Glycosylation, in cis with a missense (p.R110H, legacy Likely Pathogenic in ClinVar) and in trans with a nonsense variant (p.Q124X, PATH in ClinVar) (Kane_2016, Sadat_2014). These report(s) do not provide unequivocal conclusions about association of the variant with MOGS-Congenital Disorder Of Glycosylation. At least one publication reports experimental evidence evaluating an impact on protein function, however, does not allow convincing conclusions about the variant effect (Sadat_2014). The following publications have been ascertained in the context of this evaluation (PMID: 26805780, 24716661). ClinVar contains an entry for this variant (Variation ID: 441235). Based on the evidence outlined above, the variant was classified as uncertain significance.

Labcorp Genetics (formerly Invitae), Labcorp
Classification: Uncertain significance for MOGS-congenital disorder of glycosylation. Last evaluated: 2022-07-19. Review status: criteria provided, single submitter. Criteria: Invitae Variant Classification Sherloc (09022015). Collection method: clinical testing. Allele origin: germline.
Comment: This sequence change replaces alanine, which is neutral and non-polar, with glutamic acid, which is acidic and polar, at codon 22 of the MOGS protein (p.Ala22Glu). This variant is present in population databases (rs753961807, gnomAD 0.009%). This missense change has been observed in individual(s) with congenital disorder of glycosylation (PMID: 26805780, 33261925). ClinVar contains an entry for this variant (Variation ID: 441235). Algorithms developed to predict the effect of missense changes on protein structure and function are either unavailable or do not agree on the potential impact of this missense change (SIFT: "Deleterious"; PolyPhen-2: "Benign"; Align-GVGD: "Class C0"). In summary, the available evidence is currently insufficient to determine the role of this variant in disease. Therefore, it has been classified as a Variant of Uncertain Significance.

Fulgent Genetics
Classification: Uncertain significance for MOGS-congenital disorder of glycosylation. Last evaluated: 2021-12-08. Review status: criteria provided, single submitter. Criteria: ACMG Guidelines, 2015. Collection method: clinical testing. Allele origin: unknown.

Literature cited by the submitters: PubMed 26805780 (cited by Women's Health and Genetics/Laboratory Corporation of America, LabCorp and Labcorp Genetics (formerly Invitae), Labcorp); PubMed 24716661 (cited by Women's Health and Genetics/Laboratory Corporation of America, LabCorp); PubMed 33261925 (cited by Labcorp Genetics (formerly Invitae), Labcorp).

NM_006302.3(MOGS):c.65C>A (p.Ala22Glu)

Gene: MOGS (mannosyl-oligosaccharide glucosidase; minus strand). Cytogenetic location: 2p13.1.
Variant type: single nucleotide variant.
Coding change: c.65C>A on transcript NM_006302.3 (MANE Select); coding-DNA position 65, C replaced by A.
Protein change: p.Ala22Glu; replaces alanine 22 with glutamic acid.
Molecular consequence: missense variant. On other transcripts: intron variant (1).
Genome position (GRCh38, 1-based): chr2:74,465,183, G>T on the plus strand (C>A on the coding strand, the complement: MOGS is on the minus strand). VCF-style: chr2-74465183-G-T. GRCh37 (hg19) VCF-style: chr2-74692310-G-T.
Other names: c.-59+131C>A (NM_001146158.2); c.65C>A, p.Ala22Glu (LRG_1226t1); short protein forms A22E.
Identifiers: ClinVar variation 441235 (VCV000441235.6), dbSNP rs753961807, ClinGen allele CA1725121.